The following is an entry in ClinVar:

NM_000238.4(KCNH2):c.1867A>G (p.Thr623Ala)

Gene: KCNH2 (potassium voltage-gated channel subfamily H member 2; minus strand). Cytogenetic location: 7q36.1.
Variant type: single nucleotide variant.
Coding change: c.1867A>G on transcript NM_000238.4 (MANE Select); coding-DNA position 1867, A replaced by G.
Protein change: p.Thr623Ala; replaces threonine 623 with alanine.
Molecular consequence: missense variant. On other transcripts: non-coding transcript variant (2).
Genome position (GRCh38, 1-based): chr7:150,951,526, T>C on the plus strand (A>G on the coding strand, the complement: KCNH2 is on the minus strand). VCF-style: chr7-150951526-T-C. GRCh37 (hg19) VCF-style: chr7-150648614-T-C.
Other names: c.847A>G, p.Thr283Ala (NM_001204798.2, NM_172057.3); c.1579A>G, p.Thr527Ala (NM_001406753.1, NM_001406756.1); c.1690A>G, p.Thr564Ala (NM_001406755.1); c.1567A>G, p.Thr523Ala (NM_001406757.1); c.1867A>G, p.Thr623Ala (NM_172056.3); short protein forms T527A, T283A, T523A, T564A, T623A.
Identifiers: ClinVar variation 4709559 (VCV004709559.1).

ClinVar aggregate classification (germline): Uncertain significance (1 of 4 stars; one submission).

Conditions:
Long QT syndrome (LQTS). Identifiers: MedGen C0023976, MeSH D008133, MONDO:0002442. Disease mechanism: loss of function. Inheritance: Various modes of inheritance.

Submission:

Labcorp Genetics (formerly Invitae), Labcorp
Classification: Uncertain significance for Long QT syndrome. Last evaluated: 2025-08-06. Review status: criteria provided, single submitter. Criteria: Invitae Variant Classification Sherloc (09022015). Collection method: clinical testing. Allele origin: germline.
Comment: This sequence change replaces threonine, which is neutral and polar, with alanine, which is neutral and non-polar, at codon 623 of the KCNH2 protein (p.Thr623Ala). This variant is not present in population databases (gnomAD no frequency). This missense change has been observed in individual(s) with Long QT syndrome and/or long QT syndrome (PMID: 26669661; internal data). An algorithm developed to predict the effect of missense changes on protein structure and function (PolyPhen-2) suggests that this variant is likely to be disruptive. Experimental studies have shown that this missense change affects KCNH2 function (PMID: 16769794, 17325511, 24877995). This variant disrupts the p.Thr623 amino acid residue in KCNH2. Other variant(s) that disrupt this residue have been determined to be pathogenic (PMID: 18441445, 22949429, 29766883). This suggests that this residue is clinically significant, and that variants that disrupt this residue are likely to be disease-causing. In summary, the available evidence is currently insufficient to determine the role of this variant in disease. Therefore, it has been classified as a Variant of Uncertain Significance.

Literature cited by the submitters: PubMed 26669661; PubMed 16769794; PubMed 17325511; PubMed 24877995; PubMed 18441445; PubMed 22949429; PubMed 29766883.